The following is an entry in ClinVar:

NM_000459.5(TEK):c.3314C>A (p.Thr1105Asn)

Gene: TEK (TEK receptor tyrosine kinase; plus strand). Cytogenetic location: 9p21.2.
Variant type: single nucleotide variant.
Coding change: c.3314C>A on transcript NM_000459.5 (MANE Select); coding-DNA position 3314, C replaced by A.
Protein change: p.Thr1105Asn; replaces threonine 1105 with asparagine.
Molecular consequence: missense variant.
Genome position (GRCh38, 1-based): chr9:27,229,171, C>A. VCF-style: chr9-27229171-C-A. GRCh37 (hg19) VCF-style: chr9-27229169-C-A.
Other names: c.3185C>A, p.Thr1062Asn (NM_001290077.2); c.2870C>A, p.Thr957Asn (NM_001290078.2); c.3311C>A, p.Thr1104Asn (NM_001375475.1); c.3182C>A, p.Thr1061Asn (NM_001375476.1); short protein forms T957N, T1061N, T1105N, T1104N, T1062N.
Identifiers: ClinVar variation 1471271 (VCV001471271.6), dbSNP rs2131267737, ClinGen allele CA373131289.

ClinVar aggregate classification (germline): Uncertain significance (1 of 4 stars; one submission).

Submission:

Labcorp Genetics (formerly Invitae), Labcorp
Classification: Uncertain significance. Last evaluated: 2021-09-29. Review status: criteria provided, single submitter. Criteria: Invitae Variant Classification Sherloc (09022015). Collection method: clinical testing. Allele origin: germline.
Comment: This missense change has been observed in individual(s) with venous malformation disorder (PMID: 27519652; Invitae). This variant is not present in population databases (ExAC no frequency). This sequence change replaces threonine with asparagine at codon 1105 of the TEK protein (p.Thr1105Asn). The threonine residue is highly conserved and there is a small physicochemical difference between threonine and asparagine. Advanced modeling of protein sequence and biophysical properties (such as structural, functional, and spatial information, amino acid conservation, physicochemical variation, residue mobility, and thermodynamic stability) performed at Invitae indicates that this missense variant is not expected to disrupt TEK protein function. In summary, the available evidence is currently insufficient to determine the role of this variant in disease. Therefore, it has been classified as a Variant of Uncertain Significance.

Literature cited by the submitters: PubMed 27519652.